The following is an entry in ClinVar:

ClinVar aggregate classification (germline): Pathogenic (1 of 4 stars; one submission).

Allele frequency attached by ClinVar (database versions not stated): gnomAD exomes below 0.00001.

Submission:

Labcorp Genetics (formerly Invitae), Labcorp
Classification: Pathogenic. Last evaluated: 2022-04-24. Review status: criteria provided, single submitter. Criteria: Invitae Variant Classification Sherloc (09022015). Collection method: clinical testing. Allele origin: germline.
Comment: This variant has not been reported in the literature in individuals affected with MCM3AP-related conditions. For these reasons, this variant has been classified as Pathogenic. This variant is not present in population databases (gnomAD no frequency). This sequence change creates a premature translational stop signal (p.Gln280*) in the MCM3AP gene. It is expected to result in an absent or disrupted protein product. Loss-of-function variants in MCM3AP are known to be pathogenic (PMID: 28633435).

Literature cited by the submitters: PubMed 28633435.

NM_003906.5(MCM3AP):c.838C>T (p.Gln280Ter)

Gene: MCM3AP (minichromosome maintenance complex component 3 associated protein; minus strand). Cytogenetic location: 21q22.3.
Variant type: single nucleotide variant.
Coding change: c.838C>T on transcript NM_003906.5 (MANE Select); coding-DNA position 838, C replaced by T.
Protein change: p.Gln280Ter; replaces glutamine 280 with a stop codon.
Molecular consequence: nonsense.
Genome position (GRCh38, 1-based): chr21:46,284,449, G>A on the plus strand (C>T on the coding strand, the complement: MCM3AP is on the minus strand). VCF-style: chr21-46284449-G-A. GRCh37 (hg19) VCF-style: chr21-47704363-G-A.
Other names: short protein forms Q280*.
Identifiers: ClinVar variation 2129903 (VCV002129903.4), dbSNP rs2517437278, ClinGen allele CA410534275.